The following is an entry in ClinVar:

NM_020433.5(JPH2):c.523G>C (p.Val175Leu)

Gene: JPH2 (junctophilin 2; minus strand). Cytogenetic location: 20q13.12.
Variant type: single nucleotide variant.
Coding change: c.523G>C on transcript NM_020433.5 (MANE Select); coding-DNA position 523, G replaced by C.
Protein change: p.Val175Leu; replaces valine 175 with leucine.
Molecular consequence: missense variant.
Genome position (GRCh38, 1-based): chr20:44,160,264, C>G on the plus strand (G>C on the coding strand, the complement: JPH2 is on the minus strand). VCF-style: chr20-44160264-C-G. GRCh37 (hg19) VCF-style: chr20-42788904-C-G.
Other names: short protein forms V175L.
Identifiers: ClinVar variation 3531500 (VCV003531500.1).

ClinVar aggregate classification (germline): Uncertain significance (1 of 4 stars; one submission).

Conditions:
Cardiovascular phenotype. Identifiers: MedGen CN230736.

Submission:

Ambry Genetics
Classification: Uncertain significance for Cardiovascular phenotype. Last evaluated: 2024-10-22. Review status: criteria provided, single submitter. Criteria: Ambry Variant Classification Scheme 2023. Collection method: clinical testing. Allele origin: germline.
Comment: The p.V175L variant (also known as c.523G>C), located in coding exon 2 of the JPH2 gene, results from a G to C substitution at nucleotide position 523. The valine at codon 175 is replaced by leucine, an amino acid with highly similar properties. This amino acid position is conserved. In addition, this alteration is predicted to be tolerated by in silico analysis. Based on the available evidence, the clinical significance of this variant remains unclear.